The following is an entry in ClinVar:

ClinVar aggregate classification (germline): Pathogenic. Review status: criteria provided, multiple submitters, no conflicts (2 of 4 stars). 2 submissions from 2 submitters: Pathogenic (2). Last evaluated 2022-11-03.

Conditions:
Creatine transporter deficiency (CCDS1). Also called: Creatine Transporter (CRTR) Deficiency; Mental retardation , X-linked with seizures, short stature and midface hypoplasia; Mental retardation , X-linked, with creatine transport deficiency; X-linked creatine transporter deficiency; X-linked creatine deficiency syndrome; SLC6A8-Related Creatine Transporter Deficiency. Identifiers: Orphanet 52503, MedGen C1845862, MONDO:0010305, OMIM 300352.

Submissions (2):

Dasa
Classification: Pathogenic for Creatine transporter deficiency. Last evaluated: 2022-11-03. Review status: criteria provided, single submitter. Criteria: ACMG Guidelines, 2015. Collection method: clinical testing. Allele origin: germline. Affected: yes. Observed: 1 variant allele.
Comment: The c.1455G>A;p.(Trp485*) variant creates a premature translational stop signal in the SLC6A8 gene. It is expected to result in an absent or disrupted protein product - PVS1. ClinVar contains an entry for this variant (Clinvar ID: 579906) - PS4_supporting. This variant is not present in population databases (rs1569539443, gnomAD; ABraOM no frequency) - PM2. In summary, the currently available evidence indicates that the variant is pathogenic.

Labcorp Genetics (formerly Invitae), Labcorp
Classification: Pathogenic for Creatine transporter deficiency. Last evaluated: 2017-12-13. Review status: criteria provided, single submitter. Criteria: Invitae Variant Classification Sherloc (09022015). Collection method: clinical testing. Allele origin: germline.
Comment: Loss-of-function variants in SLC6A8 are known to be pathogenic (PMID: 22281021). This variant has not been reported in the literature in individuals with SLC6A8-related disease. This variant is not present in population databases (ExAC no frequency). This sequence change creates a premature translational stop signal (p.Trp485*) in the SLC6A8 gene. It is expected to result in an absent or disrupted protein product. For these reasons, this variant has been classified as Pathogenic.

Literature cited by the submitters: PubMed 22281021 (cited by Labcorp Genetics (formerly Invitae), Labcorp).

NM_005629.4(SLC6A8):c.1455G>A (p.Trp485Ter)

Gene: SLC6A8 (solute carrier family 6 member 8; plus strand). Cytogenetic location: Xq28.
Variant type: single nucleotide variant.
Coding change: c.1455G>A on transcript NM_005629.4 (MANE Select); coding-DNA position 1455, G replaced by A.
Protein change: p.Trp485Ter; replaces tryptophan 485 with a stop codon.
Molecular consequence: nonsense.
Genome position (GRCh38, 1-based): chrX:153,694,406, G>A. VCF-style: chrX-153694406-G-A. GRCh37 (hg19) VCF-style: chrX-152959861-G-A.
Other names: c.1425G>A, p.Trp475Ter (NM_001142805.2); c.1110G>A, p.Trp370Ter (NM_001142806.1); short protein forms W485*, W370*, W475*.
Identifiers: ClinVar variation 579906 (VCV000579906.8), dbSNP rs1569539443, ClinGen allele CA415087669.